The following is an entry in ClinVar:

ClinVar aggregate classification (germline): Conflicting classifications of pathogenicity. Review status: criteria provided, conflicting classifications (1 of 4 stars). 2 submissions from 2 submitters: Uncertain significance (1); Likely benign (1). Last evaluated 2025-03-10.

Conditions:
Mitochondrial DNA depletion syndrome 13. Also called: FBXL4-Related Encephalomyopathic Mitochondrial DNA Depletion Syndrome; Mitochondrial DNA depletion syndrome 13 (encephalomyopathic type). Identifiers: Orphanet 369897, MedGen C3809592, MONDO:0014198, OMIM 615471.

Allele frequency attached by ClinVar (database versions not stated): gnomAD exomes below 0.00001; ExAC 0.00001; gnomAD 0.00001; TOPMed 0.00001.
gnomAD v4.1: 2 of 1,613,794 alleles (0.00012%); highest among the groups gnomAD compares: East Asian, 0.0045%; no homozygotes.

Submissions (2):

Labcorp Genetics (formerly Invitae), Labcorp
Classification: Likely benign. Last evaluated: 2025-03-10. Review status: criteria provided, single submitter. Criteria: Invitae Variant Classification Sherloc (09022015). Collection method: clinical testing. Allele origin: germline.

Wong Mito Lab, Molecular and Human Genetics, Baylor College of Medicine
Classification: Uncertain significance for Mitochondrial DNA depletion syndrome 13. Last evaluated: 2017-08-10. Review status: criteria provided, single submitter. Criteria: ACMG Guidelines, 2015. Collection method: reference population. Allele origin: germline.
Comment: The NM_012160.4:c.1689G>A (NP_036292.2:p.Gln563=) [GRCH38: NC_000006.12:g.98875428C>T] variant in FBXL4 gene is interpretated to be a Uncertain Significance - Conflicting Evidence based on ACMG guidelines (PMID: 25741868). This variant meets one or more of the following evidence codes reported in the ACMG-guideline. PM2:This variant is absent in key population databases. BP4:Computational evidence/predictors indicate no impact on the FBXL4 structure, function, or protein-protein interaction. BP7:The variant is silent with non predicted splice impact. Based on this evidence code ClinGen Pathogenicity Calculator (PMID:28081714) suggested that the variant is Uncertain Significance - Conflicting Evidence.

NM_001278716.2(FBXL4):c.1689G>A (p.Gln563=)

Gene: FBXL4 (F-box and leucine rich repeat protein 4; minus strand). Cytogenetic location: 6q16.1.
Variant type: single nucleotide variant.
Coding change: c.1689G>A on transcript NM_001278716.2 (MANE Select); coding-DNA position 1689, G replaced by A.
Protein change: p.Gln563=; no amino-acid change (glutamine 563 retained).
Molecular consequence: synonymous variant. On other transcripts: non-coding transcript variant (1).
Genome position (GRCh38, 1-based): chr6:98,875,428, C>T on the plus strand (G>A on the coding strand, the complement: FBXL4 is on the minus strand). VCF-style: chr6-98875428-C-T. GRCh37 (hg19) VCF-style: chr6-99323304-C-T.
Other names: c.1689G>A, p.Gln563= (NM_012160.5).
Identifiers: ClinVar variation 437788 (VCV000437788.3), dbSNP rs767302112, ClinGen allele CA3933404.